The following is an entry in ClinVar:

ClinVar aggregate classification (germline): Uncertain significance (1 of 4 stars; one submission).

Submission:

Labcorp Genetics (formerly Invitae), Labcorp
Classification: Uncertain significance. Last evaluated: 2024-09-06. Review status: criteria provided, single submitter. Criteria: Invitae Variant Classification Sherloc (09022015). Collection method: clinical testing. Allele origin: germline.
Comment: This sequence change replaces glutamic acid, which is acidic and polar, with alanine, which is neutral and non-polar, at codon 436 of the IL23R protein (p.Glu436Ala). This variant is not present in population databases (gnomAD no frequency). This variant has not been reported in the literature in individuals affected with IL23R-related conditions. An algorithm developed to predict the effect of missense changes on protein structure and function (PolyPhen-2) suggests that this variant is likely to be disruptive. In summary, the available evidence is currently insufficient to determine the role of this variant in disease. Therefore, it has been classified as a Variant of Uncertain Significance.

NM_144701.3(IL23R):c.1307A>C (p.Glu436Ala)

Gene: IL23R (interleukin 23 receptor; plus strand). Cytogenetic location: 1p31.3.
Variant type: single nucleotide variant.
Coding change: c.1307A>C on transcript NM_144701.3 (MANE Select); coding-DNA position 1307, A replaced by C.
Protein change: p.Glu436Ala; replaces glutamic acid 436 with alanine.
Molecular consequence: missense variant.
Genome position (GRCh38, 1-based): chr1:67,258,545, A>C. VCF-style: chr1-67258545-A-C. GRCh37 (hg19) VCF-style: chr1-67724228-A-C.
Other names: short protein forms E436A.
Identifiers: ClinVar variation 3652692 (VCV003652692.2).